The following is an entry in ClinVar:

ClinVar aggregate classification (germline): Benign (1 of 4 stars; one submission).

Submission:

GeneDx
Classification: Benign. Last evaluated: 2018-06-19. Review status: criteria provided, single submitter. Criteria: GeneDx Variant Classification (06012015). Collection method: clinical testing. Allele origin: germline. Affected: yes.
Comment: This variant is considered likely benign or benign based on one or more of the following criteria: it is a conservative change, it occurs at a poorly conserved position in the protein, it is predicted to be benign by multiple in silico algorithms, and/or has population frequency not consistent with disease.

NM_000168.6(GLI3):c.2104-143del

Gene: GLI3 (GLI family zinc finger 3; minus strand). Cytogenetic location: 7p14.1.
Variant type: Deletion.
Coding change: c.2104-143del on transcript NM_000168.6 (MANE Select); 143 bases into the intron before coding-DNA position 2104, one base deleted (T; older notation c.2104-143delT).
Molecular consequence: intron variant.
Genome position (GRCh38, 1-based): chr7:41,968,066, A deleted on the plus strand (T on the coding strand, the reverse complement: GLI3 is on the minus strand). VCF-style (leftmost placement, unchanged base first): chr7-41968065-GA-G. GRCh37 (hg19) VCF-style: chr7-42007663-GA-G.
Identifiers: ClinVar variation 681350 (VCV000681350.1), dbSNP rs2545846608, ClinGen allele CA156909646.